The following is an entry in ClinVar:

ClinVar aggregate classification (germline): Uncertain significance. Review status: criteria provided, single submitter (1 of 4 stars). 2 submissions from 2 submitters: Uncertain significance (1). 1 of the submissions does not count toward it. Last evaluated 2025-01-14.

Conditions:
CLCN3-related disorder. Also called: CLCN3-related condition.

Allele frequency attached by ClinVar (database versions not stated): ExAC 0.00044; TOPMed 0.00020; gnomAD 0.00011; gnomAD exomes 0.00012.
gnomAD v4.1: 194 of 1,613,956 alleles (0.012%); highest among the groups gnomAD compares: Admixed American, 0.21%; no homozygotes.

Submissions (2):

GeneDx
Classification: Uncertain significance. Last evaluated: 2025-01-14. Review status: criteria provided, single submitter. Criteria: GeneDx Variant Classification Process June 2021. Collection method: clinical testing. Allele origin: germline.
Comment: In silico analysis supports that this missense variant has a deleterious effect on protein structure/function; Has not been previously published as pathogenic or benign to our knowledge

PreventionGenetics, part of Exact Sciences
Classification: Likely benign for CLCN3-related condition. Last evaluated: 2022-08-19. Review status: no assertion criteria provided. Collection method: clinical testing. Allele origin: germline. Not counted in ClinVar's aggregate classification.
Comment: This variant is classified as likely benign based on ACMG/AMP sequence variant interpretation guidelines (Richards et al. 2015 PMID: 25741868, with internal and published modifications).

NM_001829.4(CLCN3):c.1247G>A (p.Arg416His)

Gene: CLCN3 (Cl-/H+ antiporter 3; plus strand). Cytogenetic location: 4q33.
Variant type: single nucleotide variant.
Coding change: c.1247G>A on transcript NM_001829.4 (MANE Select); coding-DNA position 1247, G replaced by A.
Protein change: p.Arg416His; replaces arginine 416 with histidine.
Molecular consequence: missense variant.
Genome position (GRCh38, 1-based): chr4:169,697,418, G>A. VCF-style: chr4-169697418-G-A. GRCh37 (hg19) VCF-style: chr4-170618569-G-A.
Other names: c.1166G>A, p.Arg389His (NM_001243372.2, NM_001243374.2); c.1247G>A, p.Arg416His (NM_173872.4); short protein forms R389H, R416H.
Identifiers: ClinVar variation 3054373 (VCV003054373.4), dbSNP rs532326953, ClinGen allele CA3138420.